The following is an entry in ClinVar:

NM_001540.5(HSPB1):c.565G>A (p.Ala189Thr)

Gene: HSPB1 (heat shock protein family B (small) member 1; plus strand). Cytogenetic location: 7q11.23.
Variant type: single nucleotide variant.
Coding change: c.565G>A on transcript NM_001540.5 (MANE Select); coding-DNA position 565, G replaced by A.
Protein change: p.Ala189Thr; replaces alanine 189 with threonine.
Molecular consequence: missense variant.
Genome position (GRCh38, 1-based): chr7:76,304,120, G>A. VCF-style: chr7-76304120-G-A. GRCh37 (hg19) VCF-style: chr7-75933437-G-A.
Other names: short protein forms A189T.
Identifiers: ClinVar variation 948712 (VCV000948712.9), dbSNP rs1803072933, ClinGen allele CA367767171.

ClinVar aggregate classification (germline): Uncertain significance (1 of 4 stars; one submission).

Conditions:
Charcot-Marie-Tooth disease axonal type 2F (CMT2F). Also called: Charcot-Marie-Tooth Neuropathy Type 2F; CHARCOT-MARIE-TOOTH DISEASE, NEURONAL, TYPE 2F. Identifiers: Orphanet 99940, MedGen C1847823, MONDO:0011687, OMIM 606595.

Allele frequency attached by ClinVar (database versions not stated): TOPMed below 0.00001.

Submission:

Labcorp Genetics (formerly Invitae), Labcorp
Classification: Uncertain significance for Charcot-Marie-Tooth disease axonal type 2F. Last evaluated: 2019-06-24. Review status: criteria provided, single submitter. Criteria: Invitae Variant Classification Sherloc (09022015). Collection method: clinical testing. Allele origin: germline.
Comment: In summary, the available evidence is currently insufficient to determine the role of this variant in disease. Therefore, it has been classified as a Variant of Uncertain Significance. Algorithms developed to predict the effect of missense changes on protein structure and function are either unavailable or do not agree on the potential impact of this missense change (SIFT: "Deleterious"; PolyPhen-2: "Possibly Damaging"; Align-GVGD: "Class C0"). This variant has not been reported in the literature in individuals with HSPB1-related conditions. This variant is not present in population databases (ExAC no frequency). This sequence change replaces alanine with threonine at codon 189 of the HSPB1 protein (p.Ala189Thr). The alanine residue is moderately conserved and there is a small physicochemical difference between alanine and threonine.